The following is an entry in ClinVar:

NM_001164665.2(KIAA1549):c.4621C>T (p.Arg1541Cys)

Gene: KIAA1549 (KIAA1549; minus strand). Cytogenetic location: 7q34.
Variant type: single nucleotide variant.
Coding change: c.4621C>T on transcript NM_001164665.2 (MANE Select); coding-DNA position 4621, C replaced by T.
Protein change: p.Arg1541Cys; replaces arginine 1541 with cysteine.
Molecular consequence: missense variant.
Genome position (GRCh38, 1-based): chr7:138,869,692, G>A on the plus strand (C>T on the coding strand, the complement: KIAA1549 is on the minus strand). VCF-style: chr7-138869692-G-A. GRCh37 (hg19) VCF-style: chr7-138554438-G-A.
Other names: c.4621C>T, p.Arg1541Cys (NM_020910.3); short protein forms R1541C.
Identifiers: ClinVar variation 4690891 (VCV004690891.1).

ClinVar aggregate classification (germline): Uncertain significance (1 of 4 stars; one submission).

gnomAD v4.1: 30 of 1,612,176 alleles (0.0019%); highest among the groups gnomAD compares: East Asian, 0.0045%; 1 homozygote.

Submission:

Labcorp Genetics (formerly Invitae), Labcorp
Classification: Uncertain significance. Last evaluated: 2025-09-17. Review status: criteria provided, single submitter. Criteria: Invitae Variant Classification Sherloc (09022015). Collection method: clinical testing. Allele origin: germline.
Comment: This sequence change replaces arginine, which is basic and polar, with cysteine, which is neutral and slightly polar, at codon 1541 of the KIAA1549 protein (p.Arg1541Cys). This variant is present in population databases (rs769060216, gnomAD 0.01%). This variant has not been reported in the literature in individuals affected with KIAA1549-related conditions. An algorithm developed to predict the effect of missense changes on protein structure and function (PolyPhen-2) suggests that this variant is likely to be disruptive. In summary, the available evidence is currently insufficient to determine the role of this variant in disease. Therefore, it has been classified as a Variant of Uncertain Significance.